The following is an entry in ClinVar:

NM_000540.3(RYR1):c.14913G>C (p.Thr4971=)

Gene: RYR1 (ryanodine receptor 1; plus strand). Cytogenetic location: 19q13.2.
Variant type: single nucleotide variant.
Coding change: c.14913G>C on transcript NM_000540.3 (MANE Select); coding-DNA position 14913, G replaced by C.
Protein change: p.Thr4971=; no amino-acid change (threonine 4971 retained).
Molecular consequence: synonymous variant.
Genome position (GRCh38, 1-based): chr19:38,586,135, G>C. VCF-style: chr19-38586135-G-C. GRCh37 (hg19) VCF-style: chr19-39076775-G-C.
Other names: c.14898G>C, p.Thr4966= (NM_001042723.2).
Identifiers: ClinVar variation 2906540 (VCV002906540.4), dbSNP rs376180682, ClinGen allele CA507246629.

ClinVar aggregate classification (germline): Likely benign. Review status: criteria provided, multiple submitters, no conflicts (2 of 4 stars). 2 submissions from 2 submitters: Likely benign (2). Last evaluated 2023-08-23.

Conditions:
RYR1-related disorder. Also called: RYR1-related condition; RYR1-related disorders. Identifiers: MedGen CN239331.
Malignant hyperthermia, susceptibility to, 1 (MHS1). Also called: Malignant hyperthermia suceptibility 1; Anesthesia related hyperthermia; Malignant hyperpyrexia; Fulminating hyperpyrexia; Pharmacogenic myopathy; RYR1-Related Malignant Hyperthermia Susceptibility. Identifiers: Orphanet 423, MedGen C2930980, MONDO:0007783, OMIM 145600.

Submissions (2):

All of Us Research Program, National Institutes of Health
Classification: Likely benign for Malignant hyperthermia, susceptibility to, 1. Last evaluated: 2023-08-23. Review status: criteria provided, single submitter. Criteria: ACMG Guidelines, 2015. Collection method: clinical testing. Allele origin: germline. Inheritance: Autosomal dominant inheritance. Observed: 1 variant allele, 1 heterozygote.
Comment: This study involves interpretation of variants in research participants for the purpose of population health screening. Participant phenotype was not available at the time of variant classification. Additional details can be found in publication PMID: 35346344, PMCID: PMC8962531

Labcorp Genetics (formerly Invitae), Labcorp
Classification: Likely benign for RYR1-related disorder. Last evaluated: 2023-08-10. Review status: criteria provided, single submitter. Criteria: Invitae Variant Classification Sherloc (09022015). Collection method: clinical testing. Allele origin: germline.